The following is an entry in ClinVar:

NM_021830.5(TWNK):c.700G>A (p.Glu234Lys)

Gene: TWNK (twinkle mtDNA helicase; plus strand). Cytogenetic location: 10q24.31.
Variant type: single nucleotide variant.
Coding change: c.700G>A on transcript NM_021830.5 (MANE Select); coding-DNA position 700, G replaced by A.
Protein change: p.Glu234Lys; replaces glutamic acid 234 with lysine.
Molecular consequence: missense variant. On other transcripts: non-coding transcript variant (4), intron variant (3).
Genome position (GRCh38, 1-based): chr10:100,988,910, G>A. VCF-style: chr10-100988910-G-A. GRCh37 (hg19) VCF-style: chr10-102748667-G-A.
Other names: p.Glu234Lys; c.700G>A, p.Glu234Lys (NM_001163812.2); c.-119-734G>A (NM_001163814.2, NM_001163813.2); c.-57-796G>A (NM_001368275.1); c.700G>A (NM_021830.4); short protein forms E234K.
Identifiers: ClinVar variation 2672411 (VCV002672411.25), dbSNP rs768405067, ClinGen allele CA5653107.
Genomic context (GRCh38, chr10:100,988,910, plus strand): 5'-TCAGGATTACGAGGCCTGAAGCTCCTAGAGGCTAAATGCCAGGGGGATGGAGTGAGCTAC[G>A]AGGAAACCACTATTCCCCGACCCAGCGCCTACCACAATCTGTTTGGATTACCACTGATTA-3'
Protein context (NP_068602.2, residues 224-244): AKCQGDGVSY[Glu234Lys]ETTIPRPSAY

ClinVar aggregate classification (germline): Uncertain significance. Review status: criteria provided, multiple submitters, no conflicts (2 of 4 stars). 3 submissions from 3 submitters: Uncertain significance (3). Last evaluated 2025-10-22.

Conditions:
Inborn genetic diseases. Identifiers: MedGen C0950123, MeSH D030342.

Allele frequency attached by ClinVar (database versions not stated): gnomAD exomes below 0.00001; ExAC 0.00001; gnomAD 0.00003; TOPMed 0.00006.
gnomAD v4.1: 11 of 1,614,050 alleles (0.00068%); highest among the groups gnomAD compares: Admixed American, 0.01%; no homozygotes.

Submissions (3):

Mayo Clinic Laboratories, Mayo Clinic
Classification: Uncertain significance. Last evaluated: 2025-10-22. Review status: criteria provided, single submitter. Criteria: ACMG Guidelines, 2015. Collection method: clinical testing. Allele origin: germline. Observed: 2 variant alleles.
Comment: BP4_moderate

CeGaT Center for Human Genetics Tuebingen
Classification: Uncertain significance. Last evaluated: 2023-11-01. Review status: criteria provided, single submitter. Criteria: CeGaT Center For Human Genetics Tuebingen Variant Classification Criteria Version 2. Collection method: clinical testing. Allele origin: germline. Affected: yes. Observed: 1 variant allele.
Comment: TWNK: PM2, BP4

Ambry Genetics
Classification: Uncertain significance for Inborn genetic diseases. Last evaluated: 2021-07-14. Review status: criteria provided, single submitter. Criteria: Ambry Variant Classification Scheme 2023. Collection method: clinical testing. Allele origin: germline.